The following is an entry in ClinVar:

ClinVar aggregate classification (germline): Pathogenic (1 of 4 stars; one submission).

Conditions:
Cornelia de Lange syndrome 1 (CDLS1). Also called: Brachmann de Lange syndrome; NIPBL-Related Cornelia de Lange Syndrome; TYPUS DEGENERATIVUS AMSTELODAMENSIS. Identifiers: Orphanet 199, MedGen C4551851, MONDO:0007387, OMIM 122470.

Submission:

Labcorp Genetics (formerly Invitae), Labcorp
Classification: Pathogenic for Cornelia de Lange syndrome 1. Last evaluated: 2019-10-23. Review status: criteria provided, single submitter. Criteria: Invitae Variant Classification Sherloc (09022015). Collection method: clinical testing. Allele origin: germline.
Comment: This sequence change creates a premature translational stop signal (p.Asp334Serfs*11) in the NIPBL gene. It is expected to result in an absent or disrupted protein product. This variant is not present in population databases (ExAC no frequency). This variant has not been reported in the literature in individuals with NIPBL-related conditions. Loss-of-function variants in NIPBL are known to be pathogenic (PMID: 15318302, 19763162, 23505322, 29995837). For these reasons, this variant has been classified as Pathogenic.

Literature cited by the submitters: PubMed 15318302; PubMed 19763162; PubMed 23505322; PubMed 29995837.

NM_133433.4(NIPBL):c.1000_1009del (p.Asp334fs)

Gene: NIPBL (NIPBL cohesin loading factor; plus strand). Cytogenetic location: 5p13.2.
Variant type: Deletion.
Coding change: c.1000_1009del on transcript NM_133433.4 (MANE Select); coding-DNA positions 1000 to 1009, 10 bases deleted (GATGAAAAAG; older notation c.1000_1009delGATGAAAAAG).
Protein change: p.Asp334fs; shifts the reading frame from aspartic acid 334.
Molecular consequence: frameshift variant.
Genome position (GRCh38, 1-based): chr5:36,975,907-36,975,916, GATGAAAAAG deleted; deleting any 10 consecutive bases within chr5:36,975,904-36,975,916 gives the same sequence; the c. name uses the placement nearest the transcript's 3' end. VCF-style (leftmost placement, unchanged base first): chr5-36975903-CAAGGATGAAA-C. GRCh37 (hg19) VCF-style: chr5-36976005-CAAGGATGAAA-C.
Other names: c.1000_1009del, p.Asp334fs (NM_015384.5); short protein forms D334fs.
Identifiers: ClinVar variation 961905 (VCV000961905.3), dbSNP rs1743386760, ClinGen allele CA1139655869.